The following is an entry in ClinVar:

ClinVar aggregate classification (germline): Pathogenic (1 of 4 stars; one submission).

Conditions:
Dystonia 12 (DYT12). Also called: DYT-ATP1A3; Rapid-Onset Dystonia-Parkinsonism (RDP). Identifiers: Orphanet 71517, MedGen C1868681, MONDO:0007496, OMIM 128235.

Submission:

Labcorp Genetics (formerly Invitae), Labcorp
Classification: Pathogenic for Dystonia 12. Last evaluated: 2020-07-25. Review status: criteria provided, single submitter. Criteria: Invitae Variant Classification Sherloc (09022015). Collection method: clinical testing. Allele origin: germline.
Comment: This variant disrupts the p.Gly358 amino acid residue in ATP1A3. Other variant(s) that disrupt this residue have been determined to be pathogenic (PMID: 25656163, 26410222). This suggests that this residue is clinically significant, and that variants that disrupt this residue are likely to be disease-causing. For these reasons, this variant has been classified as Pathogenic. Advanced modeling of protein sequence and biophysical properties (such as structural, functional, and spatial information, amino acid conservation, physicochemical variation, residue mobility, and thermodynamic stability) performed at Invitae indicates that this missense variant is expected to disrupt ATP1A3 protein function. This variant has been observed in individual(s) with ATP1A3-related conditions (PMID: 24431296, Invitae). ClinVar contains an entry for this variant (Variation ID: 161129). This variant is not present in population databases (ExAC no frequency). This sequence change replaces glycine with cysteine at codon 358 of the ATP1A3 protein (p.Gly358Cys). The glycine residue is highly conserved and there is a large physicochemical difference between glycine and cysteine.

Literature cited by the submitters: PubMed 25656163; PubMed 26410222; PubMed 24431296.

NM_152296.5(ATP1A3):c.1072G>T (p.Gly358Cys)

Gene: ATP1A3 (ATPase Na+/K+ transporting subunit alpha 3; minus strand). Cytogenetic location: 19q13.2.
Variant type: single nucleotide variant.
Coding change: c.1072G>T on transcript NM_152296.5 (MANE Select); coding-DNA position 1072, G replaced by T.
Protein change: p.Gly358Cys; replaces glycine 358 with cysteine.
Molecular consequence: missense variant.
Genome position (GRCh38, 1-based): chr19:41,982,028, C>A on the plus strand (G>T on the coding strand, the complement: ATP1A3 is on the minus strand). VCF-style: chr19-41982028-C-A. GRCh37 (hg19) VCF-style: chr19-42486180-C-A.
Other names: c.1105G>T, p.Gly369Cys (NM_001256213.2); c.1111G>T, p.Gly371Cys (NM_001256214.2); short protein forms G358C, G369C, G371C.
Identifiers: ClinVar variation 161129 (VCV000161129.11), dbSNP rs606231432, ClinGen allele CA346007.